The following is an entry in ClinVar:

ClinVar aggregate classification (germline): Uncertain significance (1 of 4 stars; one submission).

Allele frequency attached by ClinVar (database versions not stated): gnomAD 0.00001; TOPMed 0.00001; gnomAD exomes 0.00002.
gnomAD v4.1: 29 of 1,517,404 alleles (0.0019%); highest among the groups gnomAD compares: Non-Finnish European, 0.0024%; no homozygotes.

Submission:

Labcorp Genetics (formerly Invitae), Labcorp
Classification: Uncertain significance. Last evaluated: 2022-10-10. Review status: criteria provided, single submitter. Criteria: Invitae Variant Classification Sherloc (09022015). Collection method: clinical testing. Allele origin: germline.
Comment: In summary, the available evidence is currently insufficient to determine the role of this variant in disease. Therefore, it has been classified as a Variant of Uncertain Significance. Advanced modeling of protein sequence and biophysical properties (such as structural, functional, and spatial information, amino acid conservation, physicochemical variation, residue mobility, and thermodynamic stability) performed at Invitae indicates that this missense variant is not expected to disrupt SETBP1 protein function. This variant has not been reported in the literature in individuals affected with SETBP1-related conditions. The frequency data for this variant in the population databases is considered unreliable, as metrics indicate poor data quality at this position in the gnomAD database. This sequence change replaces alanine, which is neutral and non-polar, with serine, which is neutral and polar, at codon 1507 of the SETBP1 protein (p.Ala1507Ser).

NM_015559.3(SETBP1):c.4519G>T (p.Ala1507Ser)

Gene: SETBP1 (SET binding protein 1; plus strand). Cytogenetic location: 18q12.3.
Variant type: single nucleotide variant.
Coding change: c.4519G>T on transcript NM_015559.3 (MANE Select); coding-DNA position 4519, G replaced by T.
Protein change: p.Ala1507Ser; replaces alanine 1507 with serine.
Molecular consequence: missense variant.
Genome position (GRCh38, 1-based): chr18:45,063,426, G>T. VCF-style: chr18-45063426-G-T. GRCh37 (hg19) VCF-style: chr18-42643391-G-T.
Other names: c.4519G>T, p.Ala1507Ser (NM_001379141.1, NM_001379142.1); c.4348G>T, p.Ala1450Ser (NM_001410862.1); short protein forms A1507S, A1450S.
Identifiers: ClinVar variation 1990883 (VCV001990883.3), dbSNP rs932415672, ClinGen allele CA299946154.
Genomic context (GRCh38, chr18:45,063,426, plus strand): 5'-CAGAAGCCCAGCCTGAGCCCGCTGGTGCTGGAGCCCGCCGCCAGCCAAGACACCATCATG[G>T]CCACCATCGAGGCGGTCATCCACATGGCCCGGGAGGCGCCGCCCCTGCCCCCGCCACCGC-3'
Protein context (NP_056374.2, residues 1497-1517): EPAASQDTIM[Ala1507Ser]TIEAVIHMAR